The following is an entry in ClinVar:

NM_000257.4(MYH7):c.732+2T>C

Gene: MYH7 (myosin heavy chain 7; minus strand). Cytogenetic location: 14q11.2.
Variant type: single nucleotide variant.
Coding change: c.732+2T>C on transcript NM_000257.4 (MANE Select); the canonical splice donor site of the intron after coding-DNA position 732, T replaced by C.
Molecular consequence: splice donor variant.
Genome position (GRCh38, 1-based): chr14:23,431,583, A>G on the plus strand (T>C on the coding strand, the complement: MYH7 is on the minus strand). VCF-style: chr14-23431583-A-G. GRCh37 (hg19) VCF-style: chr14-23900792-A-G.
Other names: c.732+2T>C (NM_001407004.1).
Identifiers: ClinVar variation 3354701 (VCV003354701.4).

ClinVar aggregate classification (germline): Pathogenic. Review status: criteria provided, single submitter (1 of 4 stars). 2 submissions from 2 submitters: Pathogenic (1). 1 of the submissions does not count toward it. Last evaluated 2025-01-15.

Conditions:
MYH7-related disorder. Also called: MYH7-related condition; MYH7-related disease; MYH7-related disorders.
Hypertrophic cardiomyopathy. Also called: HYPERTROPHIC MYOCARDIOPATHY. Identifiers: Orphanet 217569, MedGen C0007194, MeSH D002312, MONDO:0005045, HP:0001639.

Submissions (3):

Labcorp Genetics (formerly Invitae), Labcorp
Classification: Pathogenic for Hypertrophic cardiomyopathy. Last evaluated: 2025-01-15. Review status: criteria provided, single submitter. Criteria: Invitae Variant Classification Sherloc (09022015). Collection method: clinical testing. Allele origin: germline.
Comment: This sequence change affects a donor splice site in intron 8 of the MYH7 gene. It is expected to disrupt RNA splicing. Variants that disrupt the donor or acceptor splice site typically lead to a loss of protein function (PMID: 16199547), however the current clinical and genetic evidence is not sufficient to establish whether loss-of-function variants in MYH7 cause disease. This variant is not present in population databases (gnomAD no frequency). Disruption of this splice site has been observed in individual(s) with clinical features of autosomal dominant MYH7-related conditions (PMID: 18506004, 22859017, 27788187). It has also been observed to segregate with disease in related individuals. Algorithms developed to predict the effect of sequence changes on RNA splicing suggest that this variant may disrupt the consensus splice site. For these reasons, this variant has been classified as Pathogenic.

PreventionGenetics, part of Exact Sciences
Classification: Uncertain significance for MYH7-related condition. Last evaluated: 2024-04-17. Review status: no assertion criteria provided. Collection method: clinical testing. Allele origin: germline. Not counted in ClinVar's aggregate classification.
Comment: The MYH7 c.732+2T>C variant is predicted to disrupt the GT donor site and interfere with normal splicing. To our knowledge, this variant has not been reported in the literature or in a large population database, indicating this variant is rare. Variants affecting this same splice site (c.732+1G>A, c.732+3G>C) have been reported in individuals with left ventricular noncompaction and Ebstein anomaly (referred to as 818+1G>A and 818+3G>C in Klaassen et al. 2008. PubMed ID: 18506004; Sicko et al. 2016. PubMed ID: 27788187). Currently the evidence supporting the pathogenicity of splice and loss-of-function variants in MYH7 is inconclusive. Although we suspect that this variant may be pathogenic, at this time, the clinical significance of this variant is uncertain due to the absence of conclusive functional and genetic evidence.

Dr. Peter K. Rogan Lab, Western University
No classification provided (evidence only). Condition: Thyroid cancer, nonmedullary, 1. Review status: no classification provided. Collection method: in vitro. Allele origin: not applicable. Functional consequence: retained intron. Not counted in ClinVar's aggregate classification.

Literature cited by the submitters: PubMed 16199547 (cited by Labcorp Genetics (formerly Invitae), Labcorp); PubMed 18506004 (cited by Labcorp Genetics (formerly Invitae), Labcorp); PubMed 22859017 (cited by Labcorp Genetics (formerly Invitae), Labcorp); PubMed 27788187 (cited by Labcorp Genetics (formerly Invitae), Labcorp).